The following is an entry in ClinVar:

ClinVar aggregate classification (germline): Likely pathogenic (1 of 4 stars; one submission).

Conditions:
Dilated cardiomyopathy 1G (CMD1G). Identifiers: Orphanet 154, MedGen C1858763, MONDO:0011400, OMIM 604145.
Autosomal recessive limb-girdle muscular dystrophy type 2J (LGMDR10). Also called: MUSCULAR DYSTROPHY, LIMB-GIRDLE, AUTOSOMAL RECESSIVE 10; Limb-girdle muscular dystrophy, type 2J. Identifiers: Orphanet 140922, MedGen C1837342, MONDO:0012127, OMIM 608807.

Submission:

Labcorp Genetics (formerly Invitae), Labcorp
Classification: Likely pathogenic for Dilated cardiomyopathy 1G; Autosomal recessive limb-girdle muscular dystrophy type 2J. Last evaluated: 2024-10-28. Review status: criteria provided, single submitter. Criteria: Invitae Variant Classification Sherloc (09022015). Collection method: clinical testing. Allele origin: germline.
Comment: This sequence change creates a premature translational stop signal (p.Glu4362Serfs*5) in the TTN gene. While this is not anticipated to result in nonsense mediated decay, it is expected to create a truncated TTN protein. This variant is not present in population databases (gnomAD no frequency). This variant has not been reported in the literature in individuals affected with TTN-related conditions. ClinVar contains an entry for this variant (Variation ID: 1449216). This variant is located in the I band of TTN (PMID: 25589632). Truncating variants in this region have been reported in individuals affected with autosomal recessive centronuclear myopathy (PMID: 23975875, internal data). Truncating variants in this region have also been identified in individuals affected with autosomal dominant dilated cardiomyopathy and/or cardio-related conditions (PMID: 27869827, 32964742, internal data). In summary, the currently available evidence indicates that the variant is pathogenic, but additional data are needed to prove that conclusively. Therefore, this variant has been classified as Likely Pathogenic.

Literature cited by the submitters: PubMed 25589632; PubMed 23975875; PubMed 27869827; PubMed 32964742.

NM_001267550.2(TTN):c.13083del (p.Glu4362fs)

Gene: TTN (titin; minus strand). Cytogenetic location: 2q31.2.
Variant type: Deletion.
Coding change: c.13083del on transcript NM_001267550.2 (MANE Select); coding-DNA position 13083, one base deleted (A; older notation c.13083delA).
Protein change: p.Glu4362fs; shifts the reading frame from glutamic acid 4362.
Molecular consequence: frameshift variant. On other transcripts: intron variant (1).
Genome position (GRCh38, 1-based): chr2:178,740,150, T deleted on the plus strand (A on the coding strand, the reverse complement: TTN is on the minus strand). VCF-style (leftmost placement, unchanged base first): chr2-178740149-CT-C. GRCh37 (hg19) VCF-style: chr2-179604876-CT-C.
Other names: c.12132del, p.Glu4045fs (NM_001256850.1); c.11994del, p.Glu3999fs (NM_003319.4); c.12369del, p.Glu4124fs (NM_133432.3); c.12570del, p.Glu4191fs (NM_133437.4); c.10361-1790del (NM_133378.4); short protein forms E3999fs, E4124fs, E4045fs, E4191fs, E4362fs.
Identifiers: ClinVar variation 1449216 (VCV001449216.6), dbSNP rs2154317986, ClinGen allele CA2573133053.